The following is an entry in ClinVar:

NM_001370466.1(NOD2):c.2558A>G (p.Asn853Ser)

Gene: NOD2 (nucleotide binding oligomerization domain containing 2; plus strand). Cytogenetic location: 16q12.1.
Variant type: single nucleotide variant.
Coding change: c.2558A>G on transcript NM_001370466.1 (MANE Select); coding-DNA position 2558, A replaced by G.
Protein change: p.Asn853Ser; replaces asparagine 853 with serine.
Molecular consequence: missense variant. On other transcripts: non-coding transcript variant (1).
Genome position (GRCh38, 1-based): chr16:50,719,933, A>G. VCF-style: chr16-50719933-A-G. GRCh37 (hg19) VCF-style: chr16-50753844-A-G.
Other names: c.2558A>G, p.Asn853Ser (NM_001293557.2); c.2639A>G, p.Asn880Ser (NM_022162.3); short protein forms N880S, N853S.
Identifiers: ClinVar variation 949880 (VCV000949880.10), dbSNP rs374506720, ClinGen allele CA8051908.
Genomic context (GRCh38, chr16:50,719,933, plus strand): 5'-CCTTTTCTGCCTGCCGCTGTGTTCTCTCAGCCTCCTCTGTCTTCCCTTCCAGGCTGGGGA[A>G]TAACTACATCACTGCCGCGGGAGCCCAAGTGCTGGCCGAGGGGCTCCGAGGCAACACCTC-3'
Protein context (NP_001357395.1, residues 843-863): RQNFLALRLG[Asn853Ser]NYITAAGAQV

ClinVar aggregate classification (germline): Uncertain significance (1 of 4 stars; one submission).

Conditions:
Regional enteritis. Also called: Enteritis, Granulomatous. Identifiers: MedGen C0678202, MeSH D003424.
Blau syndrome (BLAUS). Also called: GRANULOMATOSIS, FAMILIAL JUVENILE SYSTEMIC; GRANULOMATOSIS, FAMILIAL, BLAU TYPE; GRANULOMATOUS INFLAMMATORY ARTHRITIS, DERMATITIS, AND UVEITIS, FAMILIAL; JABS SYNDROME; ARTHROCUTANEOUVEAL GRANULOMATOSIS. Identifiers: Orphanet 90340, MedGen C5201146, MONDO:0008523, OMIM 186580.

Allele frequency attached by ClinVar (database versions not stated): gnomAD exomes below 0.00001; ExAC 0.00001; TOPMed 0.00002; gnomAD 0.00004; ESP Exome Variant Server 0.00008.

Submission:

Labcorp Genetics (formerly Invitae), Labcorp
Classification: Uncertain significance for Regional enteritis; Blau syndrome. Last evaluated: 2024-12-19. Review status: criteria provided, single submitter. Criteria: Invitae Variant Classification Sherloc (09022015). Collection method: clinical testing. Allele origin: germline.
Comment: This sequence change replaces asparagine, which is neutral and polar, with serine, which is neutral and polar, at codon 880 of the NOD2 protein (p.Asn880Ser). This variant is present in population databases (rs374506720, gnomAD 0.01%). This variant has not been reported in the literature in individuals affected with NOD2-related conditions. ClinVar contains an entry for this variant (Variation ID: 949880). Invitae Evidence Modeling of protein sequence and biophysical properties (such as structural, functional, and spatial information, amino acid conservation, physicochemical variation, residue mobility, and thermodynamic stability) has been performed for this missense variant. However, the output from this modeling did not meet the statistical confidence thresholds required to predict the impact of this variant on NOD2 protein function. In summary, the available evidence is currently insufficient to determine the role of this variant in disease. Therefore, it has been classified as a Variant of Uncertain Significance.